The following is an entry in ClinVar:

ClinVar aggregate classification (germline): Likely benign. Review status: criteria provided, multiple submitters, no conflicts (2 of 4 stars). 3 submissions from 3 submitters: Likely benign (3). Last evaluated 2025-06-23.

Conditions:
PCARE-related disorder. Also called: PCARE-related condition.

Allele frequency attached by ClinVar (database versions not stated): TOPMed 0.00002; 1000 Genomes Project 30x 0.00016; 1000 Genomes Project 0.00020.
gnomAD v4.1: 47 of 1,614,238 alleles (0.0029%); highest among the groups gnomAD compares: African/African-American, 0.015%; no homozygotes.

Submissions (3):

Labcorp Genetics (formerly Invitae), Labcorp
Classification: Likely benign. Last evaluated: 2025-06-23. Review status: criteria provided, single submitter. Criteria: Invitae Variant Classification Sherloc (09022015). Collection method: clinical testing. Allele origin: germline.

PreventionGenetics, part of Exact Sciences
Classification: Likely benign for PCARE-related condition. Last evaluated: 2025-03-24. Review status: criteria provided, single submitter. Criteria: ACMG Guidelines, 2015. Collection method: clinical testing. Allele origin: germline.
Comment: This variant is classified as likely benign based on ACMG/AMP sequence variant interpretation guidelines (Richards et al. 2015 PMID: 25741868, with internal and published modifications).

Blueprint Genetics
Classification: Likely benign. Last evaluated: 2022-09-23. Review status: criteria provided, single submitter. Criteria: ACMG Guidelines, 2015. Collection method: clinical testing. Allele origin: germline.

NM_001029883.3(PCARE):c.345G>A (p.Pro115=)

Gene: PCARE (photoreceptor cilium actin regulator; minus strand). Cytogenetic location: 2p23.2.
Variant type: single nucleotide variant.
Coding change: c.345G>A on transcript NM_001029883.3 (MANE Select); coding-DNA position 345, G replaced by A.
Protein change: p.Pro115=; no amino-acid change (proline 115 retained).
Molecular consequence: synonymous variant.
Genome position (GRCh38, 1-based): chr2:29,073,917, C>T on the plus strand (G>A on the coding strand, the complement: PCARE is on the minus strand). VCF-style: chr2-29073917-C-T. GRCh37 (hg19) VCF-style: chr2-29296783-C-T.
Other names: c.345G>A (NM_001029883.2).
Identifiers: ClinVar variation 1671226 (VCV001671226.10), dbSNP rs549344507, ClinGen allele CA1592671.